The following is an entry in ClinVar:

NM_000059.4(BRCA2):c.6397_6398delinsAA (p.Ser2133Lys)

Gene: BRCA2 (BRCA2 DNA repair associated; plus strand). Cytogenetic location: 13q13.1.
Variant type: Indel.
Coding change: c.6397_6398delinsAA on transcript NM_000059.4 (MANE Select); coding-DNA positions 6397 to 6398, TC replaced by AA.
Protein change: p.Ser2133Lys; replaces serine 2133 with lysine.
Molecular consequence: missense variant.
Genome position (GRCh38, 1-based): chr13:32,340,752-32,340,753, TC replaced by AA. VCF-style: chr13-32340752-TC-AA. GRCh37 (hg19) VCF-style: chr13-32914889-TC-AA.
Other names: short protein forms S2133K.
Identifiers: ClinVar variation 1402323 (VCV001402323.8), dbSNP rs2137527109, ClinGen allele CA2573149193.
Genomic context (GRCh38, chr13:32,340,752, plus strand): 5'-AACCCAGAGCACTGTGTAAACTCAGAAATGGAAAAAACCTGCAGTAAAGAATTTAAATTA[TC>AA]AAATAACTTAAATGTTGAAGGTGGTTCTTCAGAAAATAATCACTCTATTAAAGTTTCTCC-3'
Protein context (NP_000050.3, residues 2123-2143): EKTCSKEFKL[Ser2133Lys]NNLNVEGGSS

ClinVar aggregate classification (germline): Conflicting classifications of pathogenicity. Review status: criteria provided, conflicting classifications (1 of 4 stars). 2 submissions from 2 submitters: Uncertain significance (1); Likely benign (1). Last evaluated 2023-03-23.

Conditions:
Hereditary cancer-predisposing syndrome. Also called: Hereditary neoplastic syndrome; Hereditary Cancer Syndrome; Neoplastic Syndromes, Hereditary; Tumor predisposition. Identifiers: Orphanet 140162, MedGen C0027672, MeSH D009386, MONDO:0015356.
Hereditary breast ovarian cancer syndrome. Also called: Hereditary breast and ovarian cancer syndrome; BRCA1- and BRCA2-Associated Hereditary Breast and Ovarian Cancer; Breast and ovarian cancer; Hereditary breast and/or ovarian cancer syndrome; Hereditary breast and ovarian cancer syndrome (HBOC); Hereditary breast and ovarian cancer. Identifiers: Orphanet 145, MedGen C0677776, MeSH D061325, MONDO:0003582. Disease mechanism: loss of function.

Submissions (2):

University of Washington Department of Laboratory Medicine, University of Washington
Classification: Likely benign for Hereditary cancer-predisposing syndrome. Last evaluated: 2023-03-23. Review status: criteria provided, single submitter. Criteria: Dines et al. (Genet Med. 2020). Collection method: curation. Allele origin: germline.
Comment: Missense variant in a coldspot region where missense variants are very unlikely to be pathogenic (PMID:31911673).

BRCA2 exon 11 coldspot. Reclassification based on statistical prior probability.

Labcorp Genetics (formerly Invitae), Labcorp
Classification: Uncertain significance for Hereditary breast ovarian cancer syndrome. Last evaluated: 2021-01-06. Review status: criteria provided, single submitter. Criteria: Invitae Variant Classification Sherloc (09022015). Collection method: clinical testing. Allele origin: germline.
Comment: This variant has not been reported in the literature in individuals with BRCA2-related conditions. This sequence change replaces serine with lysine at codon 2133 of the BRCA2 protein (p.Ser2133Lys). The serine residue is moderately conserved and there is a moderate physicochemical difference between serine and lysine. The frequency data for this variant in the population databases is not available, as this variant may be reported as separate entries in the ExAC database. Algorithms developed to predict the effect of missense changes on protein structure and function are either unavailable or do not agree on the potential impact of this missense change (SIFT: "Not Available"; PolyPhen-2: "Possibly Damaging"; Align-GVGD: "Not Available"). In summary, the available evidence is currently insufficient to determine the role of this variant in disease. Therefore, it has been classified as a Variant of Uncertain Significance.